The following is an entry in ClinVar:

ClinVar aggregate classification (germline): Uncertain significance (1 of 4 stars; one submission).

Conditions:
Atypical hemolytic-uremic syndrome. Identifiers: Orphanet 2134, MedGen C2931788, MONDO:0016244.

Submission:

Genomenon, Inc
Classification: Uncertain significance for Atypical hemolytic-uremic syndrome. Last evaluated: 2025-10-02. Review status: criteria provided, single submitter. Criteria: Genomenon Sequence Variant Interpretation Standards. Collection method: curation. Allele origin: germline. Affected: no.
Comment: CD46 p.Pro197Ala (c.589C>G) is a missense variant that changes the amino acid at residue 197 from Proline to Alanine. This variant has been reported in the published literature (PMID:10960475). It is absent or not present at a significant frequency in gnomAD. In silico models agree that this variant is not damaging. In conclusion, we classify CD46 p.Pro197Ala (c.589C>G) as a variant of uncertain significance.

Literature cited by the submitters: PubMed 10960475.

NM_172351.3(CD46):c.589C>G (p.Pro197Ala)

Gene: CD46 (CD46 molecule; plus strand). Cytogenetic location: 1q32.2.
Variant type: single nucleotide variant.
Coding change: c.589C>G on transcript NM_172351.3 (MANE Select); coding-DNA position 589, C replaced by G.
Protein change: p.Pro197Ala; replaces proline 197 with alanine.
Molecular consequence: missense variant.
Genome position (GRCh38, 1-based): chr1:207,761,362, C>G. VCF-style: chr1-207761362-C-G. GRCh37 (hg19) VCF-style: chr1-207934707-C-G.
Other names: c.589C>G, p.Pro197Ala (NM_002389.4, NM_153826.4, NM_172350.3 and 8 more transcripts); short protein forms P197A.
Identifiers: ClinVar variation 4291160 (VCV004291160.1).